The following is an entry in ClinVar:

NM_024422.6(DSC2):c.1782T>G (p.Ile594Met)

Gene: DSC2 (desmocollin 2; minus strand). Cytogenetic location: 18q12.1.
Variant type: single nucleotide variant.
Coding change: c.1782T>G on transcript NM_024422.6 (MANE Select); coding-DNA position 1782, T replaced by G.
Protein change: p.Ile594Met; replaces isoleucine 594 with methionine.
Molecular consequence: missense variant.
Genome position (GRCh38, 1-based): chr18:31,074,789, A>C on the plus strand (T>G on the coding strand, the complement: DSC2 is on the minus strand). VCF-style: chr18-31074789-A-C. GRCh37 (hg19) VCF-style: chr18-28654755-A-C.
Other names: c.1353T>G, p.Ile451Met (NM_001406506.1, NM_001406507.1); c.1782T>G, p.Ile594Met (NM_004949.5); short protein forms I451M, I594M.
Identifiers: ClinVar variation 2775177 (VCV002775177.2), dbSNP rs2510942838, ClinGen allele CA402114032.

ClinVar aggregate classification (germline): Uncertain significance (1 of 4 stars; one submission).

Conditions:
Cardiomyopathy (CMYO). Also called: Cardiomyopathies. Identifiers: Orphanet 167848, MedGen C0878544, MONDO:0004994, HP:0001638. Inheritance: Various modes of inheritance.

Submission:

Color Diagnostics, LLC DBA Color Health
Classification: Uncertain significance for Cardiomyopathy. Last evaluated: 2022-11-07. Review status: criteria provided, single submitter. Criteria: ACMG Guidelines, 2015. Collection method: clinical testing. Allele origin: germline.
Comment: This missense variant replaces isoleucine with methionine at codon 594 of the DSC2 protein. Computational prediction suggests that this variant may not impact protein structure and function (internally defined REVEL score threshold <= 0.5, PMID: 27666373). To our knowledge, functional studies have not been reported for this variant. This variant has not been reported in individuals affected with DSC2-related disorders in the literature. This variant has not been identified in the general population by the Genome Aggregation Database (gnomAD). The available evidence is insufficient to determine the role of this variant in disease conclusively. Therefore, this variant is classified as a Variant of Uncertain Significance.